The following is an entry in ClinVar:

ClinVar aggregate classification (germline): Uncertain significance (1 of 4 stars; one submission).

Submission:

Ambry Genetics
Classification: Uncertain significance. Last evaluated: 2025-06-28. Review status: criteria provided, single submitter. Criteria: Ambry Variant Classification Scheme 2023. Collection method: clinical testing. Allele origin: germline.
Comment: The p.A100S variant (also known as c.298G>T), located in coding exon 1 of the WNK2 gene, results from a G to T substitution at nucleotide position 298. The alanine at codon 100 is replaced by serine, an amino acid with similar properties. This amino acid position is conserved. In addition, this alteration is predicted to be tolerated by in silico analysis. Based on the available evidence, the clinical significance of this variant remains unclear.

NM_006648.4(WNK2):c.298G>T (p.Ala100Ser)

Gene: WNK2 (WNK lysine deficient protein kinase 2; plus strand). Cytogenetic location: 9q22.31.
Variant type: single nucleotide variant.
Coding change: c.298G>T on transcript NM_006648.4 (MANE Select); coding-DNA position 298, G replaced by T.
Protein change: p.Ala100Ser; replaces alanine 100 with serine.
Molecular consequence: missense variant.
Genome position (GRCh38, 1-based): chr9:93,185,227, G>T. VCF-style: chr9-93185227-G-T. GRCh37 (hg19) VCF-style: chr9-95947509-G-T.
Other names: c.298G>T, p.Ala100Ser (NM_001282394.3); short protein forms A100S.
Identifiers: ClinVar variation 4201569 (VCV004201569.1).